The following is an entry in ClinVar:

NM_182961.4(SYNE1):c.5563_5564delinsAT (p.Glu1855Met)

Gene: SYNE1 (spectrin repeat containing nuclear envelope protein 1; minus strand). Cytogenetic location: 6q25.2.
Variant type: Indel.
Coding change: c.5563_5564delinsAT on transcript NM_182961.4 (MANE Select); coding-DNA positions 5563 to 5564, GA replaced by AT.
Protein change: p.Glu1855Met; replaces glutamic acid 1855 with methionine.
Molecular consequence: missense variant.
Genome position (GRCh38, 1-based): chr6:152,416,873-152,416,874, TC replaced by AT on the plus strand (GA replaced by AT on the coding strand, the reverse complement: SYNE1 is on the minus strand). VCF-style: chr6-152416873-TC-AT. GRCh37 (hg19) VCF-style: chr6-152738008-TC-AT.
Other names: c.5584_5585delinsAT, p.Glu1862Met (NM_033071.5); short protein forms E1862M, E1855M.
Identifiers: ClinVar variation 1398864 (VCV001398864.8), dbSNP rs2154182549, ClinGen allele CA2573140683.

ClinVar aggregate classification (germline): Uncertain significance (1 of 4 stars; one submission).

Conditions:
Emery-Dreifuss muscular dystrophy 4, autosomal dominant (EDMD4). Also called: EMERY-DREIFUSS MUSCULAR DYSTROPHY 4 WITH VARIABLE FEATURES. Identifiers: Orphanet 261, MedGen C2751807, MONDO:0013071, OMIM 612998.
Autosomal recessive ataxia, Beauce type. Also called: SYNE1-Related Autosomal Recessive Cerebellar Ataxia; Spinocerebellar ataxia, autosomal recessive 8; ATAXIA, RECESSIVE, OF BEAUCE; SYNE1 Deficiency. Identifiers: Orphanet 88644, MedGen C1853116, MONDO:0012549, OMIM 610743.

Submission:

Labcorp Genetics (formerly Invitae), Labcorp
Classification: Uncertain significance for Emery-Dreifuss muscular dystrophy 4, autosomal dominant; Autosomal recessive ataxia, Beauce type. Last evaluated: 2022-03-29. Review status: criteria provided, single submitter. Criteria: Invitae Variant Classification Sherloc (09022015). Collection method: clinical testing. Allele origin: germline.
Comment: This sequence change replaces glutamic acid, which is acidic and polar, with methionine, which is neutral and non-polar, at codon 1862 of the SYNE1 protein (p.Glu1862Met). In summary, the available evidence is currently insufficient to determine the role of this variant in disease. Therefore, it has been classified as a Variant of Uncertain Significance. Algorithms developed to predict the effect of missense changes on protein structure and function are either unavailable or do not agree on the potential impact of this missense change (SIFT: "Not Available"; PolyPhen-2: "Probably Damaging"; Align-GVGD: "Not Available"). This variant has not been reported in the literature in individuals affected with SYNE1-related conditions. This variant is present in population databases (no rsID available, gnomAD 0.1%).